The following is an entry in ClinVar:

NM_144573.4(NEXN):c.1252-16T>C

Gene: NEXN (nexilin F-actin binding protein; plus strand). Cytogenetic location: 1p31.1.
Variant type: single nucleotide variant.
Coding change: c.1252-16T>C on transcript NM_144573.4 (MANE Select); 16 bases into the intron before coding-DNA position 1252, T replaced by C.
Molecular consequence: intron variant.
Genome position (GRCh38, 1-based): chr1:77,935,807, T>C. VCF-style: chr1-77935807-T-C. GRCh37 (hg19) VCF-style: chr1-78401492-T-C.
Other names: c.1060-16T>C (NM_001172309.2).
Identifiers: ClinVar variation 390167 (VCV000390167.2), dbSNP rs915475936, ClinGen allele CA16603750.

ClinVar aggregate classification (germline): Likely benign. Review status: criteria provided, multiple submitters, no conflicts (2 of 4 stars). 2 submissions from 2 submitters: Likely benign (2). Last evaluated 2025-12-23.

Conditions:
Dilated cardiomyopathy 1CC (CMD1CC). Identifiers: Orphanet 154, MedGen C2751084, MONDO:0013147, OMIM 613122.
Hypertrophic cardiomyopathy 20. Identifiers: MedGen C3151267, MONDO:0013477, OMIM 613876.

Allele frequency attached by ClinVar (database versions not stated): gnomAD 0.00001; gnomAD exomes 0.00001 and 0.00002; TOPMed 0.00001.
gnomAD v4.1: 25 of 1,603,866 alleles (0.0016%); highest among the groups gnomAD compares: African/African-American, 0.0054%; no homozygotes.

Submissions (2):

Labcorp Genetics (formerly Invitae), Labcorp
Classification: Likely benign for Dilated cardiomyopathy 1CC; Hypertrophic cardiomyopathy 20. Last evaluated: 2025-12-23. Review status: criteria provided, single submitter. Criteria: Invitae Variant Classification Sherloc (09022015). Collection method: clinical testing. Allele origin: germline.

GeneDx
Classification: Likely benign. Last evaluated: 2016-10-24. Review status: criteria provided, single submitter. Criteria: GeneDx Variant Classification (06012015). Collection method: clinical testing. Allele origin: germline. Affected: yes.
Comment: This variant is considered likely benign or benign based on one or more of the following criteria: it is a conservative change, it occurs at a poorly conserved position in the protein, it is predicted to be benign by multiple in silico algorithms, and/or has population frequency not consistent with disease.